The following is an entry in ClinVar:

ClinVar aggregate classification (germline): Likely benign (0 of 4 stars; one submission).

Conditions:
XIST-related disorder. Also called: XIST-related condition.

Allele frequency attached by ClinVar (database versions not stated): 1000 Genomes Project 0.00132; 1000 Genomes Project 30x 0.00146; gnomAD 0.00155; ExAC 0.00189; gnomAD exomes 0.00195; TOPMed 0.00206.
gnomAD v4.1: 972 of 512,145 alleles (0.19%); highest among the groups gnomAD compares: Admixed American, 0.28%; 2 homozygotes.

Submission:

PreventionGenetics, part of Exact Sciences
Classification: Likely benign for XIST-related condition. Last evaluated: 2021-03-16. Review status: no assertion criteria provided. Collection method: clinical testing. Allele origin: germline.
Comment: This variant is classified as likely benign based on ACMG/AMP sequence variant interpretation guidelines (Richards et al. 2015 PMID: 25741868, with internal and published modifications).

NR_001564.3(XIST):n.18128A>T

Genes: TSIX (TSIX transcript, XIST antisense RNA; plus strand), XIST (X inactive specific transcript; minus strand). Cytogenetic location: Xq13.2.
Variant type: single nucleotide variant.
Molecular consequence: non-coding transcript variant (on NR_003255.2).
Genome position: GRCh38 VCF-style: chrX-73821764-T-A. GRCh37 (hg19) VCF-style: chrX-73041599-T-A.
Identifiers: ClinVar variation 3038264 (VCV003038264.2), dbSNP rs193140316, ClinGen allele CA10451818.